The following is an entry in ClinVar:

ClinVar aggregate classification (germline): Uncertain significance (1 of 4 stars; one submission).

Submission:

ARUP Laboratories, Molecular Genetics and Genomics, ARUP Laboratories
Classification: Uncertain significance. Last evaluated: 2022-02-02. Review status: criteria provided, single submitter. Criteria: ARUP Molecular Germline Variant Investigation Process 2021. Collection method: clinical testing. Allele origin: germline.
Comment: The G6PD c.1013C>T; p.Ala338Val variant, to our knowledge, is not reported in the medical literature or gene specific databases. This variant is absent from the Genome Aggregation Database, indicating it is not a common polymorphism. The alanine at codon 338 is highly conserved, but computational analyses are uncertain whether this variant is neutral or deleterious (REVEL: 0.685). Due to limited information, the clinical significance of the p.Ala338Val variant is uncertain at this time.

NM_001360016.2(G6PD):c.1013C>T (p.Ala338Val)

Gene: G6PD (glucose-6-phosphate dehydrogenase; minus strand). Cytogenetic location: Xq28.
Variant type: single nucleotide variant.
Coding change: c.1013C>T on transcript NM_001360016.2 (MANE Select); coding-DNA position 1013, C replaced by T.
Protein change: p.Ala338Val; replaces alanine 338 with valine.
Molecular consequence: missense variant.
Genome position (GRCh38, 1-based): chrX:154,532,980, G>A on the plus strand (C>T on the coding strand, the complement: G6PD is on the minus strand). VCF-style: chrX-154532980-G-A. GRCh37 (hg19) VCF-style: chrX-153761195-G-A.
Other names: c.1103C>T, p.Ala368Val (NM_000402.4); c.1013C>T, p.Ala338Val (NM_001042351.3); short protein forms A338V, A368V.
Identifiers: ClinVar variation 1679499 (VCV001679499.7), dbSNP rs2148329260, ClinGen allele CA415234423.